The following is an entry in ClinVar:

NM_004656.4(BAP1):c.1345G>T (p.Ala449Ser)

Gene: BAP1 (BRCA1 associated deubiquitinase 1; minus strand). Cytogenetic location: 3p21.1.
Variant type: single nucleotide variant.
Coding change: c.1345G>T on transcript NM_004656.4 (MANE Select); coding-DNA position 1345, G replaced by T.
Protein change: p.Ala449Ser; replaces alanine 449 with serine.
Molecular consequence: missense variant.
Genome position (GRCh38, 1-based): chr3:52,403,800, C>A on the plus strand (G>T on the coding strand, the complement: BAP1 is on the minus strand). VCF-style: chr3-52403800-C-A. GRCh37 (hg19) VCF-style: chr3-52437816-C-A.
Other names: c.1291G>T, p.Ala431Ser (NM_001410772.1); short protein forms A431S, A449S.
Identifiers: ClinVar variation 1770468 (VCV001770468.7), dbSNP rs764734266, ClinGen allele CA353101938.

ClinVar aggregate classification (germline): Conflicting classifications of pathogenicity. Review status: criteria provided, conflicting classifications (1 of 4 stars). 2 submissions from 2 submitters: Uncertain significance (1); Likely benign (1). Last evaluated 2023-12-28.

Conditions:
Hereditary cancer-predisposing syndrome. Also called: Hereditary Cancer Syndrome; Hereditary neoplastic syndrome; Neoplastic Syndromes, Hereditary; Tumor predisposition. Identifiers: Orphanet 140162, MedGen C0027672, MeSH D009386, MONDO:0015356.
BAP1-related tumor predisposition syndrome (TPDS1). Also called: COMMON Syndrome; TUMOR PREDISPOSITION SYNDROME 1; BAP1 tumor predisposition syndrome; Tumor susceptibility linked to germline BAP1 mutations. Identifiers: Orphanet 289539, MedGen C3280492, MONDO:0013692, OMIM 614327.

Allele frequency attached by ClinVar (database versions not stated): gnomAD exomes below 0.00001.
gnomAD v4.1: 3 of 1,614,090 alleles (0.00019%); highest among the groups gnomAD compares: Non-Finnish European, 0.00025%; no homozygotes.

Submissions (2):

Ambry Genetics
Classification: Likely benign for Hereditary cancer-predisposing syndrome. Last evaluated: 2023-12-28. Review status: criteria provided, single submitter. Criteria: Ambry Variant Classification Scheme 2023. Collection method: clinical testing. Allele origin: germline.

Labcorp Genetics (formerly Invitae), Labcorp
Classification: Uncertain significance for BAP1-related tumor predisposition syndrome. Last evaluated: 2023-12-01. Review status: criteria provided, single submitter. Criteria: Invitae Variant Classification Sherloc (09022015). Collection method: clinical testing. Allele origin: germline.
Comment: This sequence change replaces alanine, which is neutral and non-polar, with serine, which is neutral and polar, at codon 449 of the BAP1 protein (p.Ala449Ser). This variant is not present in population databases (gnomAD no frequency). This variant has not been reported in the literature in individuals affected with BAP1-related conditions. ClinVar contains an entry for this variant (Variation ID: 1770468). Advanced modeling of protein sequence and biophysical properties (such as structural, functional, and spatial information, amino acid conservation, physicochemical variation, residue mobility, and thermodynamic stability) performed at Invitae indicates that this missense variant is not expected to disrupt BAP1 protein function with a negative predictive value of 80%. In summary, the available evidence is currently insufficient to determine the role of this variant in disease. Therefore, it has been classified as a Variant of Uncertain Significance.